The following is an entry in ClinVar:

NM_001042492.3(NF1):c.5172_5173del (p.Lys1725fs)

Gene: NF1 (neurofibromin 1; plus strand). Cytogenetic location: 17q11.2.
Variant type: Deletion.
Coding change: c.5172_5173del on transcript NM_001042492.3 (MANE Select); coding-DNA positions 5172 to 5173, 2 bases deleted (GA; older notation c.5172_5173delGA).
Protein change: p.Lys1725fs; shifts the reading frame from lysine 1725.
Molecular consequence: frameshift variant.
Genome position (GRCh38, 1-based): chr17:31,326,156-31,326,157, GA deleted; deleting any 2 consecutive bases within chr17:31,326,155-31,326,157 gives the same sequence; the c. name uses the placement nearest the transcript's 3' end. VCF-style (leftmost placement, unchanged base first): chr17-31326154-CAG-C. GRCh37 (hg19) VCF-style: chr17-29653172-CAG-C.
Other names: c.5109_5110delGA, p.Lys1704Thrfs (NM_000267.4); short protein forms K1725fs, K1704fs.
Identifiers: ClinVar variation 859473 (VCV000859473.6), dbSNP rs2069336015, ClinGen allele CA916080615.
Genomic context (GRCh38, chr17:31,326,154, plus strand): 5'-AAAAGGCTTGTTTTCATAGACTGTCCTGGGAAACTGGCTGAGCACATAGAGCATGAACAA[CAG>C]AAACTACCTGCTGCCACCTTGGCTTTAGAAGAGGACCTGAAGGTATTCCACAATGCTCTC-3'

ClinVar aggregate classification (germline): Pathogenic (1 of 4 stars; one submission).

Conditions:
Neurofibromatosis, type 1 (NF1). Also called: Neurofibromatosis, type I; VON RECKLINGHAUSEN DISEASE; Peripheral type neurofibromatosis; NEUROFIBROMATOSIS, TYPE I, SOMATIC. Identifiers: Orphanet 636, MedGen C0027831, MONDO:0018975, OMIM 162200. Disease mechanism: loss of function.

Submission:

Labcorp Genetics (formerly Invitae), Labcorp
Classification: Pathogenic for Neurofibromatosis, type 1. Last evaluated: 2019-05-28. Review status: criteria provided, single submitter. Criteria: Invitae Variant Classification Sherloc (09022015). Collection method: clinical testing. Allele origin: germline.
Comment: This sequence change creates a premature translational stop signal (p.Lys1704Thrfs*31) in the NF1 gene. It is expected to result in an absent or disrupted protein product. For these reasons, this variant has been classified as Pathogenic. Loss-of-function variants in NF1 are known to be pathogenic (PMID: 10712197, 23913538). This variant has been observed in a family affected with neurofibromatosis type 1 (PMID: 8242079). This variant is also referred to as c.5108delAG in the literature. This variant is not present in population databases (ExAC no frequency).

Literature cited by the submitters: PubMed 10712197; PubMed 23913538; PubMed 8242079.